The following is an entry in ClinVar:

ClinVar aggregate classification (germline): Uncertain significance. Review status: criteria provided, single submitter (1 of 4 stars). 2 submissions from 2 submitters: Uncertain significance (1). 1 of the submissions does not count toward it. Last evaluated 2022-04-08.

Conditions:
C8B-related disorder. Also called: C8B-related condition.

Allele frequency attached by ClinVar (database versions not stated): ExAC 0.00007; gnomAD exomes 0.00012 and 0.00014; gnomAD 0.00015 and 0.00016; TOPMed 0.00015.
gnomAD v4.1: 202 of 1,613,862 alleles (0.013%); highest among the groups gnomAD compares: Admixed American, 0.058%; no homozygotes.

Submissions (2):

Labcorp Genetics (formerly Invitae), Labcorp
Classification: Uncertain significance. Last evaluated: 2022-04-08. Review status: criteria provided, single submitter. Criteria: Invitae Variant Classification Sherloc (09022015). Collection method: clinical testing. Allele origin: germline.
Comment: This sequence change falls in intron 8 of the C8B gene. It does not directly change the encoded amino acid sequence of the C8B protein. It affects a nucleotide within the consensus splice site. This variant is present in population databases (rs759561922, gnomAD 0.05%). This variant has not been reported in the literature in individuals affected with C8B-related conditions. Variants that disrupt the consensus splice site are a relatively common cause of aberrant splicing (PMID: 17576681, 9536098). Algorithms developed to predict the effect of sequence changes on RNA splicing suggest that this variant is not likely to affect RNA splicing. In summary, the available evidence is currently insufficient to determine the role of this variant in disease. Therefore, it has been classified as a Variant of Uncertain Significance.

PreventionGenetics, part of Exact Sciences
Classification: Likely benign for C8B-related condition. Last evaluated: 2019-07-25. Review status: no assertion criteria provided. Collection method: clinical testing. Allele origin: germline. Not counted in ClinVar's aggregate classification.
Comment: This variant is classified as likely benign based on ACMG/AMP sequence variant interpretation guidelines (Richards et al. 2015 PMID: 25741868, with internal and published modifications).

Literature cited by the submitters: PubMed 17576681 (cited by Labcorp Genetics (formerly Invitae), Labcorp); PubMed 9536098 (cited by Labcorp Genetics (formerly Invitae), Labcorp).

NM_000066.4(C8B):c.1234+6T>C

Gene: C8B (complement C8 beta chain; minus strand). Cytogenetic location: 1p32.2.
Variant type: single nucleotide variant.
Coding change: c.1234+6T>C on transcript NM_000066.4 (MANE Select); 6 bases into the intron after coding-DNA position 1234, T replaced by C.
Molecular consequence: intron variant.
Genome position (GRCh38, 1-based): chr1:56,943,690, A>G on the plus strand (T>C on the coding strand, the complement: C8B is on the minus strand). VCF-style: chr1-56943690-A-G. GRCh37 (hg19) VCF-style: chr1-57409363-A-G.
Other names: c.1234+6T>C (NM_000066.3); c.1048+6T>C (NM_001278544.2); c.1078+6T>C (NM_001278543.2).
Identifiers: ClinVar variation 1405613 (VCV001405613.5), dbSNP rs759561922, ClinGen allele CA875717.